The following is an entry in ClinVar:

ClinVar aggregate classification (germline): Uncertain significance. Review status: criteria provided, multiple submitters, no conflicts (2 of 4 stars). 2 submissions from 2 submitters: Uncertain significance (2). Last evaluated 2023-09-05.

Conditions:
Primary ciliary dyskinesia. Also called: Ciliary dyskinesia. Identifiers: Orphanet 244, MedGen C0008780, MONDO:0016575, HP:0012265.

gnomAD v4.1: 1 of 1,612,492 alleles (0.000062%); highest among the groups gnomAD compares: South Asian, 0.0011%; no homozygotes.

Submissions (2):

Ambry Genetics
Classification: Uncertain significance for Primary ciliary dyskinesia. Last evaluated: 2023-09-05. Review status: criteria provided, single submitter. Criteria: Ambry Variant Classification Scheme 2023. Collection method: clinical testing. Allele origin: germline.
Comment: The p.G3523V variant (also known as c.10568G>T), located in coding exon 64 of the DNAH11 gene, results from a G to T substitution at nucleotide position 10568. The amino acid change results in glycine to valine at codon 3523, an amino acid with dissimilar properties. However, this change occurs in the last base pair of coding exon 64, which makes it likely to have some effect on normal mRNA splicing. This nucleotide position is highly conserved in available vertebrate species. This amino acid position is highly conserved in available vertebrate species. In silico splice site analysis predicts that this alteration may result in the creation or strengthening of a novel splice donor site. In addition, this alteration is predicted to be tolerated by in silico analysis. Since supporting evidence is limited at this time, the clinical significance of this alteration remains unclear.

Labcorp Genetics (formerly Invitae), Labcorp
Classification: Uncertain significance for Primary ciliary dyskinesia. Last evaluated: 2021-08-31. Review status: criteria provided, single submitter. Criteria: Invitae Variant Classification Sherloc (09022015). Collection method: clinical testing. Allele origin: germline.
Comment: This sequence change replaces glycine with valine at codon 3523 of the DNAH11 protein (p.Gly3523Val). The glycine residue is highly conserved and there is a moderate physicochemical difference between glycine and valine. This variant also falls at the last nucleotide of exon 64, which is part of the consensus splice site for this exon. This variant is not present in population databases (ExAC no frequency). This variant has not been reported in the literature in individuals affected with DNAH11-related conditions. Algorithms developed to predict the effect of missense changes on protein structure and function are either unavailable or do not agree on the potential impact of this missense change (SIFT: "Deleterious"; PolyPhen-2: "Probably Damaging"; Align-GVGD: "Class C15"). Variants that disrupt the consensus splice site are a relatively common cause of aberrant splicing (PMID: 17576681, 9536098). Algorithms developed to predict the effect of sequence changes on RNA splicing suggest that this variant may disrupt the consensus splice site. In summary, the available evidence is currently insufficient to determine the role of this variant in disease. Therefore, it has been classified as a Variant of Uncertain Significance.

Literature cited by the submitters: PubMed 17576681 (cited by Labcorp Genetics (formerly Invitae), Labcorp); PubMed 9536098 (cited by Labcorp Genetics (formerly Invitae), Labcorp).

NM_001277115.2(DNAH11):c.10568G>T (p.Gly3523Val)

Gene: DNAH11 (dynein axonemal heavy chain 11; plus strand). Cytogenetic location: 7p15.3.
Variant type: single nucleotide variant.
Coding change: c.10568G>T on transcript NM_001277115.2 (MANE Select); coding-DNA position 10568, G replaced by T.
Protein change: p.Gly3523Val; replaces glycine 3523 with valine.
Molecular consequence: missense variant.
Genome position (GRCh38, 1-based): chr7:21,816,702, G>T. VCF-style: chr7-21816702-G-T. GRCh37 (hg19) VCF-style: chr7-21856320-G-T.
Other names: c.10568G>T (NM_001277115.1); short protein forms G3523V.
Identifiers: ClinVar variation 1446166 (VCV001446166.7), dbSNP rs1223461836, ClinGen allele CA366949309.
Genomic context (GRCh38, chr7:21,816,702, plus strand): 5'-TTAAGTGGATCAAGAATAAGTATGGAATGGACCTGAAAGTCACACATTTGGGCCAGAAAG[G>T]GTATGTGAAGTTTGAAGAGACTGGCTTTCTGTTTACCTGCTGTGAAGTGGGTCTGATTTT-3'
Protein context (NP_001264044.1, residues 3513-3533): DLKVTHLGQK[Gly3523Val]FLNAIETALA